The following is an entry in ClinVar:

ClinVar aggregate classification (germline): Benign (1 of 4 stars; one submission).

Conditions:
Familial cancer of breast. Also called: Hereditary breast cancer; BREAST CANCER, FAMILIAL; hereditary breast carcinoma. Identifiers: Orphanet 227535, MedGen C0346153, MONDO:0016419, OMIM 114480. Disease mechanism: loss of function.

Submission:

Myriad Genetics, Inc.
Classification: Benign for Familial cancer of breast. Last evaluated: 2024-10-04. Review status: criteria provided, single submitter. Criteria: Myriad Autosomal Dominant, Autosomal Recessive and X-Linked Classification Criteria (2023). Collection method: clinical testing. Allele origin: unknown.
Comment: This variant is considered benign. This variant is a silent/synonymous amino acid change and it is not expected to impact splicing.

NM_007194.4(CHEK2):c.1101T>G (p.Thr367=)

Gene: CHEK2 (checkpoint kinase 2; minus strand). Cytogenetic location: 22q12.1.
Variant type: single nucleotide variant.
Coding change: c.1101T>G on transcript NM_007194.4 (MANE Select); coding-DNA position 1101, T replaced by G.
Protein change: p.Thr367=; no amino-acid change (threonine 367 retained).
Molecular consequence: synonymous variant.
Genome position (GRCh38, 1-based): chr22:28,695,868, A>C on the plus strand (T>G on the coding strand, the complement: CHEK2 is on the minus strand). VCF-style: chr22-28695868-A-C. GRCh37 (hg19) VCF-style: chr22-29091856-A-C.
Other names: c.1230T>G, p.Thr410= (NM_001005735.3); c.438T>G, p.Thr146= (NM_001257387.3); c.900T>G, p.Thr300= (NM_001349956.3); c.1014T>G, p.Thr338= (NM_145862.3).
Identifiers: ClinVar variation 3773329 (VCV003773329.1).